The following is an entry in ClinVar:

NM_201596.3(CACNB2):c.213+109737G>A

Genes: CACNB2 (calcium voltage-gated channel auxiliary subunit beta 2; plus strand), CACNB2-AS2 (CACNB2 antisense RNA 2; minus strand). Cytogenetic location: 10p12.33.
Variant type: single nucleotide variant.
Coding change: c.213+109737G>A on transcript NM_201596.3 (MANE Select); 109737 bases into the intron after coding-DNA position 213, G replaced by A.
Molecular consequence: intron variant.
Genome position (GRCh38, 1-based): chr10:18,260,712, G>A. VCF-style: chr10-18260712-G-A. GRCh37 (hg19) VCF-style: chr10-18549641-G-A.
Other names: c.129+109737G>A (NM_201571.4, NM_001167945.2, NM_201572.4); c.213+109737G>A (NM_201593.3, NM_201597.3).
Identifiers: ClinVar variation 1259019 (VCV001259019.4), dbSNP rs2357928, ClinGen allele CA13146180.

ClinVar aggregate classification (germline): Benign. Review status: criteria provided, multiple submitters, no conflicts (2 of 4 stars). 3 submissions from 3 submitters: Benign (3). Last evaluated 2018-06-19.

Allele frequency attached by ClinVar (database versions not stated): gnomAD exomes 0.51699; TOPMed 0.57396; gnomAD 0.57410 and 0.57907; 1000 Genomes Project 0.58087; 1000 Genomes Project 30x 0.58916.
gnomAD v4.1: 522,529 of 993,288 alleles (53%); highest among the groups gnomAD compares: East Asian, 71%; 138,786 homozygotes.

Submissions (3):

Blueprint Genetics
Classification: Benign. Last evaluated: 2018-06-19. Review status: criteria provided, single submitter. Criteria: ACMG Guidelines, 2015. Collection method: clinical testing. Allele origin: germline.

GeneDx
Classification: Benign. Last evaluated: 2015-03-03. Review status: criteria provided, single submitter. Criteria: GeneDx Variant Classification Process June 2021. Collection method: clinical testing. Allele origin: germline. Affected: yes.
Comment: This variant is associated with the following publications: (PMID: 21156931)

Breakthrough Genomics
Classification: Benign. Review status: criteria provided, single submitter. Criteria: ACMG Guidelines, 2015. Collection method: not provided. Allele origin: germline. Inheritance: Autosomal dominant inheritance. Affected: yes.